The following is an entry in ClinVar:

NM_001130144.3(LTBP3):c.2090G>A (p.Arg697Gln)

Gene: LTBP3 (latent transforming growth factor beta binding protein 3; minus strand). Cytogenetic location: 11q13.1.
Variant type: single nucleotide variant.
Coding change: c.2090G>A on transcript NM_001130144.3 (MANE Select); coding-DNA position 2090, G replaced by A.
Protein change: p.Arg697Gln; replaces arginine 697 with glutamine.
Molecular consequence: missense variant.
Genome position (GRCh38, 1-based): chr11:65,547,456, C>T on the plus strand (G>A on the coding strand, the complement: LTBP3 is on the minus strand). VCF-style: chr11-65547456-C-T. GRCh37 (hg19) VCF-style: chr11-65314927-C-T.
Other names: c.2090G>A (NM_001130144.2); c.1739G>A, p.Arg580Gln (NM_001164266.1); c.2090G>A, p.Arg697Gln (NM_021070.4); short protein forms R697Q, R580Q.
Identifiers: ClinVar variation 2982554 (VCV002982554.4), dbSNP rs770146964, ClinGen allele CA6100750.
Genomic context (GRCh38, chr11:65,547,456, plus strand): 5'-CAGCTAAGGAGCTCCTTCTTTGGTCTGAATGGGGTCCCCTCACCTTCGCACACAGGAGGC[C>T]GGGAGGCTTTGAGCCGGTAGCCGGGGTAGCAGTTGCACTTGTAGTGACCGGGAAAGTTGA-3'
Protein context (NP_001123616.1, residues 687-707): CYPGYRLKAS[Arg697Gln]PPVCEDIDEC

ClinVar aggregate classification (germline): Uncertain significance. Review status: criteria provided, multiple submitters, no conflicts (2 of 4 stars). 2 submissions from 2 submitters: Uncertain significance (2). Last evaluated 2025-06-07.

Conditions:
Brachyolmia-amelogenesis imperfecta syndrome. Also called: PLATYSPONDYLY WITH AMELOGENESIS IMPERFECTA; Tooth agenesis, selective, 6; Dental anomalies and short stature. Identifiers: Orphanet 2899, MedGen C1832594, MONDO:0011018, OMIM 601216. Disease mechanism: loss of function.
Inborn genetic diseases. Identifiers: MedGen C0950123, MeSH D030342.

Allele frequency attached by ClinVar (database versions not stated): gnomAD 0.00001; ExAC 0.00001; TOPMed 0.00002.
gnomAD v4.1: 15 of 1,613,814 alleles (0.00093%); highest among the groups gnomAD compares: African/African-American, 0.0027%; no homozygotes.

Submissions (2):

Labcorp Genetics (formerly Invitae), Labcorp
Classification: Uncertain significance for Brachyolmia-amelogenesis imperfecta syndrome. Last evaluated: 2025-06-07. Review status: criteria provided, single submitter. Criteria: Invitae Variant Classification Sherloc (09022015). Collection method: clinical testing. Allele origin: germline.
Comment: This sequence change replaces arginine, which is basic and polar, with glutamine, which is neutral and polar, at codon 697 of the LTBP3 protein (p.Arg697Gln). This variant is present in population databases (rs770146964, gnomAD 0.007%). This variant has not been reported in the literature in individuals affected with LTBP3-related conditions. ClinVar contains an entry for this variant (Variation ID: 2982554). An algorithm developed to predict the effect of missense changes on protein structure and function (PolyPhen-2) suggests that this variant is likely to be tolerated. In summary, the available evidence is currently insufficient to determine the role of this variant in disease. Therefore, it has been classified as a Variant of Uncertain Significance.

Ambry Genetics
Classification: Uncertain significance for Inborn genetic diseases. Last evaluated: 2023-12-29. Review status: criteria provided, single submitter. Criteria: Ambry Variant Classification Scheme 2023. Collection method: clinical testing. Allele origin: germline.
Comment: The p.R697Q variant (also known as c.2090G>A), located in coding exon 14 of the LTBP3 gene, results from a G to A substitution at nucleotide position 2090. The arginine at codon 697 is replaced by glutamine, an amino acid with highly similar properties. This amino acid position is conserved. In addition, this alteration is predicted to be tolerated by in silico analysis. Since supporting evidence is limited at this time, the clinical significance of this alteration remains unclear.